The following is an entry in ClinVar:

NM_000616.5(CD4):c.708C>T (p.Gly236=)

Gene: CD4 (CD4 molecule; plus strand). Cytogenetic location: 12p13.31.
Variant type: single nucleotide variant.
Coding change: c.708C>T on transcript NM_000616.5 (MANE Select); coding-DNA position 708, C replaced by T.
Protein change: p.Gly236=; no amino-acid change (glycine 236 retained).
Molecular consequence: synonymous variant. On other transcripts: 5 prime UTR variant (5).
Genome position (GRCh38, 1-based): chr12:6,816,156, C>T. VCF-style: chr12-6816156-C-T. GRCh37 (hg19) VCF-style: chr12-6925322-C-T.
Other names: c.171C>T, p.Gly57= (NM_001195014.3); c.-112C>T (NM_001195015.3, NM_001195016.3, NM_001195017.3 and 2 more transcripts); c.708C>T, p.Gly236= (NM_001382707.1); c.543C>T, p.Gly181= (NM_001382714.1).
Identifiers: ClinVar variation 2642636 (VCV002642636.24), dbSNP rs28919568, ClinGen allele CA6415889.

ClinVar aggregate classification (germline): Likely benign (1 of 4 stars; one submission).

Allele frequency attached by ClinVar (database versions not stated): ESP Exome Variant Server 0.00077; TOPMed 0.00087; gnomAD 0.00098; 1000 Genomes Project 0.00220; 1000 Genomes Project 30x 0.00297.
gnomAD v4.1: 504 of 1,614,172 alleles (0.031%); highest among the groups gnomAD compares: Middle Eastern, 0.36%; 4 homozygotes.

Submission:

CeGaT Center for Human Genetics Tuebingen
Classification: Likely benign. Last evaluated: 2023-02-01. Review status: criteria provided, single submitter. Criteria: CeGaT Center For Human Genetics Tuebingen Variant Classification Criteria Version 2. Collection method: clinical testing. Allele origin: germline. Affected: yes. Observed: 1 variant allele.
Comment: CD4: BP4, BP7